The following is an entry in ClinVar:

NM_001253697.2(ERBIN):c.2417A>G (p.His806Arg)

Gene: ERBIN (erbb2 interacting protein; plus strand). Cytogenetic location: 5q12.3.
Variant type: single nucleotide variant.
Coding change: c.2417A>G on transcript NM_001253697.2 (MANE Select); coding-DNA position 2417, A replaced by G.
Protein change: p.His806Arg; replaces histidine 806 with arginine.
Molecular consequence: missense variant.
Genome position (GRCh38, 1-based): chr5:66,053,735, A>G. VCF-style: chr5-66053735-A-G. GRCh37 (hg19) VCF-style: chr5-65349563-A-G.
Other names: c.2417A>G, p.His806Arg (NM_001006600.3, NM_001253698.2, NM_001253699.2 and 1 more transcripts); c.2405A>G, p.His802Arg (NM_001253701.2); short protein forms H802R, H806R.
Identifiers: ClinVar variation 1634062 (VCV001634062.26), dbSNP rs149409198, ClinGen allele CA3286484.

ClinVar aggregate classification (germline): Likely benign. Review status: criteria provided, multiple submitters, no conflicts (2 of 4 stars). 2 submissions from 2 submitters: Likely benign (2). Last evaluated 2026-02-02.

Allele frequency attached by ClinVar (database versions not stated): gnomAD exomes 0.00015 and 0.00036; ExAC 0.00046; gnomAD 0.00143 and 0.00153; ESP Exome Variant Server 0.00146; 1000 Genomes Project 30x 0.00203; 1000 Genomes Project 0.00220.
gnomAD v4.1: 438 of 1,613,832 alleles (0.027%); highest among the groups gnomAD compares: African/African-American, 0.53%; 1 homozygote.

Submissions (2):

Labcorp Genetics (formerly Invitae), Labcorp
Classification: Likely benign. Last evaluated: 2026-02-02. Review status: criteria provided, single submitter. Criteria: Invitae Variant Classification Sherloc (09022015). Collection method: clinical testing. Allele origin: germline.

CeGaT Center for Human Genetics Tuebingen
Classification: Likely benign. Last evaluated: 2024-07-01. Review status: criteria provided, single submitter. Criteria: CeGaT Center For Human Genetics Tuebingen Variant Classification Criteria Version 2. Collection method: clinical testing. Allele origin: germline. Affected: yes. Observed: 1 variant allele.
Comment: ERBIN: BP4, BS1